The following is an entry in ClinVar:

ClinVar aggregate classification (germline): Uncertain significance (1 of 4 stars; one submission).

gnomAD v4.1: 4 of 1,613,560 alleles (0.00025%); highest among the groups gnomAD compares: South Asian, 0.0033%; no homozygotes.

Submission:

Labcorp Genetics (formerly Invitae), Labcorp
Classification: Uncertain significance. Last evaluated: 2025-08-04. Review status: criteria provided, single submitter. Criteria: Invitae Variant Classification Sherloc (09022015). Collection method: clinical testing. Allele origin: germline.
Comment: This sequence change replaces glutamic acid, which is acidic and polar, with glutamine, which is neutral and polar, at codon 18 of the CLCN2 protein (p.Glu18Gln). This variant is present in population databases (no rsID available, gnomAD 0.003%). This variant has not been reported in the literature in individuals affected with CLCN2-related conditions. Invitae Evidence Modeling of protein sequence and biophysical properties (such as structural, functional, and spatial information, amino acid conservation, physicochemical variation, residue mobility, and thermodynamic stability) indicates that this missense variant is not expected to disrupt CLCN2 protein function with a negative predictive value of 95%. In summary, the available evidence is currently insufficient to determine the role of this variant in disease. Therefore, it has been classified as a Variant of Uncertain Significance.

NM_004366.6(CLCN2):c.52G>C (p.Glu18Gln)

Genes: CLCN2 (chloride voltage-gated channel 2; minus strand), LOC129938055 (ATAC-STARR-seq lymphoblastoid silent region 14964; plus strand). Cytogenetic location: 3q27.1.
Variant type: single nucleotide variant.
Coding change: c.52G>C on transcript NM_004366.6 (MANE Select); coding-DNA position 52, G replaced by C.
Protein change: p.Glu18Gln; replaces glutamic acid 18 with glutamine.
Molecular consequence: missense variant.
Genome position (GRCh38, 1-based): chr3:184,361,428, C>G on the plus strand (G>C on the coding strand, the complement: CLCN2 is on the minus strand). VCF-style: chr3-184361428-C-G. GRCh37 (hg19) VCF-style: chr3-184079216-C-G.
Other names: c.52G>C, p.Glu18Gln (NM_001171087.3, NM_001171088.3, NM_001171089.3); short protein forms E18Q.
Identifiers: ClinVar variation 4697283 (VCV004697283.1).